The following is an entry in ClinVar:

NM_001127178.3(PIGG):c.1649T>C (p.Leu550Pro)

Gene: PIGG (phosphatidylinositol glycan anchor biosynthesis class G (EMM blood group); plus strand). Cytogenetic location: 4p16.3.
Variant type: single nucleotide variant.
Coding change: c.1649T>C on transcript NM_001127178.3 (MANE Select); coding-DNA position 1649, T replaced by C.
Protein change: p.Leu550Pro; replaces leucine 550 with proline.
Molecular consequence: missense variant. On other transcripts: non-coding transcript variant (7).
Genome position (GRCh38, 1-based): chr4:523,493, T>C. VCF-style: chr4-523493-T-C. GRCh37 (hg19) VCF-style: chr4-517282-T-C.
Other names: c.1382T>C, p.Leu461Pro (NM_001289051.2, NM_001345986.2); c.1250T>C, p.Leu417Pro (NM_001289052.2); c.1358T>C, p.Leu453Pro (NM_001345987.2); c.620T>C, p.Leu207Pro (NM_001345988.2); c.116T>C, p.Leu39Pro (NM_001345990.2, NM_001345991.2); c.551T>C, p.Leu184Pro (NM_001345994.2); c.1625T>C, p.Leu542Pro (NM_017733.5); short protein forms L184P, L207P, L39P, L417P, L453P, L461P, L542P, L550P.
Identifiers: ClinVar variation 1017980 (VCV001017980.6), dbSNP rs1465940384, ClinGen allele CA355906534.
Genomic context (GRCh38, chr4:523,493, plus strand): 5'-TACAAAGTGCACTTTCCTTTTCACAGAACCCCATGCATCCCAGCTCAAGGTGGTCAGAGC[T>C]AGACCTTCTTATTCTGTTGGGGACGGCGGGCCACGTCTTGAGCCTGGGCGCCAGCAGCTT-3'
Protein context (NP_001120650.1, residues 540-560): PMHPSSRWSE[Leu550Pro]DLLILLGTAG

ClinVar aggregate classification (germline): Uncertain significance (1 of 4 stars; one submission).

Conditions:
Intellectual disability, autosomal recessive 53 (NEDHSCA). Also called: GLYCOSYLPHOSPHATIDYLINOSITOL BIOSYNTHESIS DEFECT 13; Mental retardation, autosomal recessive 53; NEURODEVELOPMENTAL DISORDER WITH OR WITHOUT HYPOTONIA, SEIZURES, AND CEREBELLAR ATROPHY. Identifiers: Orphanet 488635, MedGen C4310794, MONDO:0014832, OMIM 616917.

Allele frequency attached by ClinVar (database versions not stated): TOPMed below 0.00001; gnomAD exomes 0.00001.
gnomAD v4.1: 3 of 1,614,020 alleles (0.00019%); highest among the groups gnomAD compares: Admixed American, 0.005%; no homozygotes.

Submission:

Labcorp Genetics (formerly Invitae), Labcorp
Classification: Uncertain significance for Intellectual disability, autosomal recessive 53. Last evaluated: 2021-08-30. Review status: criteria provided, single submitter. Criteria: Invitae Variant Classification Sherloc (09022015). Collection method: clinical testing. Allele origin: germline.
Comment: This sequence change replaces leucine with proline at codon 550 of the PIGG protein (p.Leu550Pro). The leucine residue is weakly conserved and there is a moderate physicochemical difference between leucine and proline. This variant is not present in population databases (ExAC no frequency). This variant has not been reported in the literature in individuals affected with PIGG-related conditions. Algorithms developed to predict the effect of missense changes on protein structure and function are either unavailable or do not agree on the potential impact of this missense change (SIFT: "Deleterious"; PolyPhen-2: "Possibly Damaging"; Align-GVGD: "Class C0"). In summary, the available evidence is currently insufficient to determine the role of this variant in disease. Therefore, it has been classified as a Variant of Uncertain Significance.